The following is an entry in ClinVar:

ClinVar aggregate classification (germline): Pathogenic (1 of 4 stars; one submission).

Conditions:
LAMA2-related muscular dystrophy (LAMA2-RD). Also called: Laminin alpha 2-related dystrophy. Identifiers: MedGen C5679788, MONDO:0100228.

Submission:

Labcorp Genetics (formerly Invitae), Labcorp
Classification: Pathogenic for LAMA2-related muscular dystrophy. Last evaluated: 2021-12-07. Review status: criteria provided, single submitter. Criteria: Invitae Variant Classification Sherloc (09022015). Collection method: clinical testing. Allele origin: germline.
Comment: This variant is a gross deletion of the genomic region encompassing exon(s) 22 of the LAMA2 gene. This deletion is out-of-frame, and is expected to create a premature termination codon and result in an absent or disrupted protein product. Loss-of-function variants in LAMA2 are known to be pathogenic (PMID: 18700894, 32904964). This variant has not been reported in the literature in individuals affected with LAMA2-related conditions. For these reasons, this variant has been classified as Pathogenic.

Literature cited by the submitters: PubMed 18700894; PubMed 32904964.

NC_000006.11:g.(?_129621871)_(129622027_?)del

Gene: LAMA2 (laminin subunit alpha 2; plus strand). Cytogenetic location: 6q22.33.
Variant type: Deletion.
Identifiers: ClinVar variation 1454946 (VCV001454946.4).